The following is an entry in ClinVar:

ClinVar aggregate classification (germline): Uncertain significance. Review status: criteria provided, multiple submitters, no conflicts (2 of 4 stars). 2 submissions from 2 submitters: Uncertain significance (2). Last evaluated 2026-08-04.

Conditions:
Cardiovascular phenotype. Identifiers: MedGen CN230736.
Dilated cardiomyopathy 1J (CMD1J). Also called: CARDIOMYOPATHY, DILATED, WITH SENSORINEURAL HEARING LOSS, AUTOSOMAL DOMINANT. Identifiers: Orphanet 217622, MedGen C1854368, MONDO:0011541, OMIM 605362.

Allele frequency attached by ClinVar (database versions not stated): gnomAD exomes below 0.00001 and 0.00001; ExAC 0.00001; gnomAD 0.00001; TOPMed 0.00001.
gnomAD v4.1: 18 of 1,611,142 alleles (0.0011%); highest among the groups gnomAD compares: Non-Finnish European, 0.0013%; no homozygotes.

Submissions (2):

Ambry Genetics
Classification: Uncertain significance for Cardiovascular phenotype. Last evaluated: 2026-08-04. Review status: criteria provided, single submitter. Criteria: Ambry Variant Classification Scheme 2023. Collection method: clinical testing. Allele origin: germline.
Comment: The p.D20G variant (also known as c.59A>G), located in coding exon 2 of the EYA4 gene, results from an A to G substitution at nucleotide position 59. The aspartic acid at codon 20 is replaced by glycine, an amino acid with similar properties. This amino acid position is highly conserved in available vertebrate species. In addition, this alteration is predicted to be deleterious by in silico analysis. Based on the available evidence, the clinical significance of this variant remains unclear.

Labcorp Genetics (formerly Invitae), Labcorp
Classification: Uncertain significance for Dilated cardiomyopathy 1J. Last evaluated: 2026-01-21. Review status: criteria provided, single submitter. Criteria: Invitae Variant Classification Sherloc (09022015). Collection method: clinical testing. Allele origin: germline.
Comment: This sequence change replaces aspartic acid, which is acidic and polar, with glycine, which is neutral and non-polar, at codon 20 of the EYA4 protein (p.Asp20Gly). This variant is present in population databases (rs779385322, gnomAD 0.002%). This variant has not been reported in the literature in individuals affected with EYA4-related conditions. ClinVar contains an entry for this variant (Variation ID: 410658). An algorithm developed to predict the effect of missense changes on protein structure and function (PolyPhen-2) suggests that this variant is likely to be tolerated. In summary, the available evidence is currently insufficient to determine the role of this variant in disease. Therefore, it has been classified as a Variant of Uncertain Significance.

NM_004100.5(EYA4):c.59A>G (p.Asp20Gly)

Gene: EYA4 (EYA transcriptional coactivator and phosphatase 4; plus strand). Cytogenetic location: 6q23.2.
Variant type: single nucleotide variant.
Coding change: c.59A>G on transcript NM_004100.5 (MANE Select); coding-DNA position 59, A replaced by G.
Protein change: p.Asp20Gly; replaces aspartic acid 20 with glycine.
Molecular consequence: missense variant.
Genome position (GRCh38, 1-based): chr6:133,382,417, A>G. VCF-style: chr6-133382417-A-G. GRCh37 (hg19) VCF-style: chr6-133703555-A-G.
Other names: c.59A>G, p.Asp20Gly (NM_001301012.2, NM_001301013.2, NM_001370458.1 and 3 more transcripts); short protein forms D20G.
Identifiers: ClinVar variation 410658 (VCV000410658.9), dbSNP rs779385322, ClinGen allele CA4007939.
Genomic context (GRCh38, chr6:133,382,417, plus strand): 5'-TTCATATGAGAATAACTAGTACTCTTTTCTTACAGGTAAAGAAAACGTGCACAGAATCAG[A>G]TGTTTCACAATCTCAGAATTCCAGGTACAGTAAAATAAAGACCAAGACTCCCCTAAGGAG-3'
Protein context (NP_004091.3, residues 10-30): QSVKKTCTES[Asp20Gly]VSQSQNSRSM